The following is an entry in ClinVar:

ClinVar aggregate classification (germline): Uncertain significance (1 of 4 stars; one submission).

Conditions:
Gastrointestinal stromal tumor. Also called: Gastrointestinal stromal tumor, somatic; Gastrointestinal stroma tumor. Identifiers: Orphanet 44890, MedGen C0238198, MeSH D046152, MONDO:0011719, OMIM 606764, HP:0100723.

Submission:

Labcorp Genetics (formerly Invitae), Labcorp
Classification: Uncertain significance for Gastrointestinal stromal tumor. Last evaluated: 2024-11-25. Review status: criteria provided, single submitter. Criteria: Invitae Variant Classification Sherloc (09022015). Collection method: clinical testing. Allele origin: germline.
Comment: This sequence change affects codon 308 of the KIT mRNA. It is a 'silent' change, meaning that it does not change the encoded amino acid sequence of the KIT protein. It affects a nucleotide within the consensus splice site. This variant is not present in population databases (gnomAD no frequency). This variant has not been reported in the literature in individuals affected with KIT-related conditions. Algorithms developed to predict the effect of sequence changes on RNA splicing suggest that this variant is not likely to affect RNA splicing. In summary, the available evidence is currently insufficient to determine the role of this variant in disease. Therefore, it has been classified as a Variant of Uncertain Significance.

NM_000222.3(KIT):c.924A>C (p.Val308=)

Gene: KIT (KIT proto-oncogene, receptor tyrosine kinase; plus strand). Cytogenetic location: 4q12.
Variant type: single nucleotide variant.
Coding change: c.924A>C on transcript NM_000222.3 (MANE Select); coding-DNA position 924, A replaced by C.
Protein change: p.Val308=; no amino-acid change (valine 308 retained).
Molecular consequence: synonymous variant.
Genome position (GRCh38, 1-based): chr4:54,703,891, A>C. VCF-style: chr4-54703891-A-C. GRCh37 (hg19) VCF-style: chr4-55570057-A-C.
Other names: c.924A>C, p.Val308= (NM_001093772.2, NM_001385285.1, NM_001385286.1); c.927A>C, p.Val309= (NM_001385284.1, NM_001385288.1, NM_001385290.1 and 1 more transcripts).
Identifiers: ClinVar variation 3726049 (VCV003726049.2).
Genomic context (GRCh38, chr4:54,703,891, plus strand): 5'-CATGTGTTATGCCAATAATACTTTTGGATCAGCAAATGTCACAACAACCTTGGAAGTAGT[A>C]GGTAAATACCTCTATGGGAATGTTTAAATTACTGGCAGTAGTGAAAGAAGAAATTATTAG-3'
Protein context (NP_000213.1, residues 298-318): SANVTTTLEV[Val308=]DKGFINIFPM